The following is an entry in ClinVar:

ClinVar aggregate classification (germline): Benign (1 of 4 stars; one submission).

Allele frequency attached by ClinVar (database versions not stated): TOPMed 0.93654; 1000 Genomes Project 30x 0.93723; gnomAD 0.93868 and 0.94140; 1000 Genomes Project 0.94169.
gnomAD v4.1: 143,338 of 152,228 alleles (94%); highest among the groups gnomAD compares: East Asian, 100%; 67,714 homozygotes.

Submission:

GeneDx
Classification: Benign. Last evaluated: 2018-06-14. Review status: criteria provided, single submitter. Criteria: GeneDx Variant Classification (06012015). Collection method: clinical testing. Allele origin: germline. Affected: yes.
Comment: This variant is considered likely benign or benign based on one or more of the following criteria: it is a conservative change, it occurs at a poorly conserved position in the protein, it is predicted to be benign by multiple in silico algorithms, and/or has population frequency not consistent with disease.

NM_001854.4(COL11A1):c.3385-292T>A

Gene: COL11A1 (collagen type XI alpha 1 chain; minus strand). Cytogenetic location: 1p21.1.
Variant type: single nucleotide variant.
Coding change: c.3385-292T>A on transcript NM_001854.4 (MANE Select); 292 bases into the intron before coding-DNA position 3385, T replaced by A.
Molecular consequence: intron variant.
Genome position (GRCh38, 1-based): chr1:102,939,380, A>T on the plus strand (T>A on the coding strand, the complement: COL11A1 is on the minus strand). VCF-style: chr1-102939380-A-T. GRCh37 (hg19) VCF-style: chr1-103404936-A-T.
Other names: c.3268-292T>A (NM_001190709.2); c.3421-292T>A (NM_080629.3); c.3037-292T>A (NM_080630.4).
Identifiers: ClinVar variation 681198 (VCV000681198.1), dbSNP rs1463047, ClinGen allele CA16062674.